The following is an entry in ClinVar:

NM_004484.4(GPC3):c.1166+1G>A

Gene: GPC3 (glypican 3; minus strand). Cytogenetic location: Xq26.2.
Variant type: single nucleotide variant.
Coding change: c.1166+1G>A on transcript NM_004484.4 (MANE Select); the canonical splice donor site of the intron after coding-DNA position 1166, G replaced by A.
Molecular consequence: splice donor variant.
Genome position (GRCh38, 1-based): chrX:133,699,894, C>T on the plus strand (G>A on the coding strand, the complement: GPC3 is on the minus strand). VCF-style: chrX-133699894-C-T. GRCh37 (hg19) VCF-style: chrX-132833922-C-T.
Other names: c.1004+1G>A (NM_001164619.2); c.1118+1G>A (NM_001164618.2); c.1235+1G>A (NM_001164617.2).
Identifiers: ClinVar variation 1738156 (VCV001738156.2), dbSNP rs2521160162, ClinGen allele CA414699329.
Genomic context (GRCh38, chrX:133,699,894, plus strand): 5'-TTTGACCTTAAAATACAATTGTTAATTGTATTGTGGAATAAAGAAAAAAGAAACCTCTCA[C>T]CTTCTTCGGCTGGATAAGGTTTCTTCATGTTCTACATGAGCAACTTTTAATACTTTCTTG-3'

ClinVar aggregate classification (germline): Likely pathogenic (1 of 4 stars; one submission).

Conditions:
Inborn genetic diseases. Identifiers: MedGen C0950123, MeSH D030342.

Submission:

Ambry Genetics
Classification: Likely pathogenic for Inborn genetic diseases. Last evaluated: 2016-12-14. Review status: criteria provided, single submitter. Criteria: Ambry Variant Classification Scheme 2023. Collection method: clinical testing. Allele origin: germline.
Comment: The c.1166+1G>A intronic variant results from a G to A substitution one nucleotide after coding exon 4 of the GPC3 gene. This nucleotide position is highly conserved in available vertebrate species. Using two different splice site prediction tools, this alteration is predicted by BDGP to abolish the native splice donor site, but is predicted to weaken (but not abolish) the efficiency of the native splice donor site by ESEfinder; however, direct evidence is unavailable. Alterations that disrupt the canonical splice site are expected to cause aberrant splicing, resulting in an abnormal protein or a transcript that is subject to nonsense-mediated mRNA decay. As such, this alteration is classified as likely pathogenic.